The following is an entry in ClinVar:

NM_000465.4(BARD1):c.1200T>C (p.Ser400=)

Gene: BARD1 (BRCA1 associated RING domain 1; minus strand). Cytogenetic location: 2q35.
Variant type: single nucleotide variant.
Coding change: c.1200T>C on transcript NM_000465.4 (MANE Select); coding-DNA position 1200, T replaced by C.
Protein change: p.Ser400=; no amino-acid change (serine 400 retained).
Molecular consequence: synonymous variant. On other transcripts: non-coding transcript variant (2), intron variant (3).
Genome position (GRCh38, 1-based): chr2:214,780,674, A>G on the plus strand (T>C on the coding strand, the complement: BARD1 is on the minus strand). VCF-style: chr2-214780674-A-G. GRCh37 (hg19) VCF-style: chr2-215645398-A-G.
Other names: c.1143T>C, p.Ser381= (NM_001282543.2); c.159-28119T>C (NM_001282548.2); c.215+16387T>C (NM_001282545.2); c.364+11623T>C (NM_001282549.2).
Identifiers: ClinVar variation 232303 (VCV000232303.6), dbSNP rs876659685, ClinGen allele CA10577819.

ClinVar aggregate classification (germline): Benign/Likely benign. Review status: criteria provided, multiple submitters, no conflicts (2 of 4 stars). 3 submissions from 3 submitters: Benign (1); Likely benign (2). Last evaluated 2024-07-24.

Conditions:
Hereditary cancer-predisposing syndrome. Also called: Neoplastic Syndromes, Hereditary; Tumor predisposition; Hereditary Cancer Syndrome; Hereditary neoplastic syndrome. Identifiers: Orphanet 140162, MedGen C0027672, MeSH D009386, MONDO:0015356.
Familial cancer of breast. Also called: BREAST CANCER, FAMILIAL; hereditary breast carcinoma; Hereditary breast cancer. Identifiers: Orphanet 227535, MedGen C0346153, MONDO:0016419, OMIM 114480. Disease mechanism: loss of function.

Submissions (3):

Myriad Genetics, Inc.
Classification: Benign for Familial cancer of breast. Last evaluated: 2024-07-24. Review status: criteria provided, single submitter. Criteria: Myriad Autosomal Dominant, Autosomal Recessive and X-Linked Classification Criteria (2023). Collection method: clinical testing. Allele origin: unknown.
Comment: This variant is considered benign. This variant is a silent/synonymous amino acid change and it is not expected to impact splicing.

GeneDx
Classification: Likely benign. Last evaluated: 2017-06-15. Review status: criteria provided, single submitter. Criteria: GeneDx Variant Classification (06012015). Collection method: clinical testing. Allele origin: germline. Affected: yes.
Comment: This variant is considered likely benign or benign based on one or more of the following criteria: it is a conservative change, it occurs at a poorly conserved position in the protein, it is predicted to be benign by multiple in silico algorithms, and/or has population frequency not consistent with disease.

Ambry Genetics
Classification: Likely benign for Hereditary cancer-predisposing syndrome. Last evaluated: 2015-06-09. Review status: criteria provided, single submitter. Criteria: Ambry Variant Classification Scheme 2023. Collection method: clinical testing. Allele origin: germline.